The following is an entry in ClinVar:

ClinVar aggregate classification (germline): Uncertain significance (1 of 4 stars; one submission).

Conditions:
Hereditary cancer-predisposing syndrome. Also called: Neoplastic Syndromes, Hereditary; Hereditary Cancer Syndrome; Tumor predisposition; Hereditary neoplastic syndrome. Identifiers: Orphanet 140162, MedGen C0027672, MeSH D009386, MONDO:0015356.

Submission:

Ambry Genetics
Classification: Uncertain significance for Hereditary cancer-predisposing syndrome. Last evaluated: 2025-02-26. Review status: criteria provided, single submitter. Criteria: Ambry Variant Classification Scheme 2023. Collection method: clinical testing. Allele origin: germline.
Comment: The p.Y416* variant (also known as c.1248C>A), located in coding exon 13 of the POLE gene, results from a C to A substitution at nucleotide position 1248. This changes the amino acid from a tyrosine to a stop codon within coding exon 13. This alteration is expected to result in loss of function by premature protein truncation or nonsense-mediated mRNA decay. Although biallelic loss of function of POLE has been associated with autosomal recessive POLE deficiency, haploinsufficiency of POLE has not been established as a mechanism of disease for POLE-related polymerase proofreading-associated polyposis (PPAP) and POLE-related CMMRD-like syndrome. Based on the supporting evidence, this variant is expected to be causative of POLE deficiency when present along with a second pathogenic variant on the other allele; however, its clinical significance for PPAP and POLE-related CMMRD-like syndrome is unclear.

NM_006231.4(POLE):c.1248C>A (p.Tyr416Ter)

Gene: POLE (DNA polymerase epsilon, catalytic subunit; minus strand). Cytogenetic location: 12q24.33.
Variant type: single nucleotide variant.
Coding change: c.1248C>A on transcript NM_006231.4 (MANE Select); coding-DNA position 1248, C replaced by A.
Protein change: p.Tyr416Ter; replaces tyrosine 416 with a stop codon.
Molecular consequence: nonsense.
Genome position (GRCh38, 1-based): chr12:132,673,686, G>T on the plus strand (C>A on the coding strand, the complement: POLE is on the minus strand). VCF-style: chr12-132673686-G-T. GRCh37 (hg19) VCF-style: chr12-133250272-G-T.
Other names: short protein forms Y416*.
Identifiers: ClinVar variation 3781580 (VCV003781580.1).